The following is an entry in ClinVar:

ClinVar aggregate classification (germline): Uncertain significance (1 of 4 stars; one submission).

Conditions:
Developmental and epileptic encephalopathy, 9 (DEE9). Also called: EPILEPSY, FEMALE-RESTRICTED, WITH MENTAL RETARDATION; Early infantile epileptic encephalopathy 9; JUBERG-HELLMAN SYNDROME; PCDH19-Related X-Linked Female-Limited Epilepsy with Mental Retardation. Identifiers: Orphanet 101039, Orphanet 2076, MedGen C1848137, MONDO:0010246, OMIM 300088. Disease mechanism: loss of function.

Allele frequency attached by ClinVar (database versions not stated): gnomAD exomes below 0.00001.
gnomAD v4.1: 2 of 1,207,797 alleles (0.00017%); highest among the groups gnomAD compares: Admixed American, 0.0022%; no homozygotes.

Submission:

Labcorp Genetics (formerly Invitae), Labcorp
Classification: Uncertain significance for Developmental and epileptic encephalopathy, 9. Last evaluated: 2022-08-22. Review status: criteria provided, single submitter. Criteria: Invitae Variant Classification Sherloc (09022015). Collection method: clinical testing. Allele origin: germline.
Comment: Advanced modeling of protein sequence and biophysical properties (such as structural, functional, and spatial information, amino acid conservation, physicochemical variation, residue mobility, and thermodynamic stability) performed at Invitae indicates that this missense variant is not expected to disrupt PCDH19 protein function. This variant has not been reported in the literature in individuals affected with PCDH19-related conditions. This variant is present in population databases (no rsID available, gnomAD 0.004%). This sequence change replaces threonine, which is neutral and polar, with methionine, which is neutral and non-polar, at codon 200 of the PCDH19 protein (p.Thr200Met). In summary, the available evidence is currently insufficient to determine the role of this variant in disease. Therefore, it has been classified as a Variant of Uncertain Significance.

NM_001184880.2(PCDH19):c.599C>T (p.Thr200Met)

Gene: PCDH19 (protocadherin 19; minus strand). Cytogenetic location: Xq22.1.
Variant type: single nucleotide variant.
Coding change: c.599C>T on transcript NM_001184880.2 (MANE Select); coding-DNA position 599, C replaced by T.
Protein change: p.Thr200Met; replaces threonine 200 with methionine.
Molecular consequence: missense variant.
Genome position (GRCh38, 1-based): chrX:100,407,999, G>A on the plus strand (C>T on the coding strand, the complement: PCDH19 is on the minus strand). VCF-style: chrX-100407999-G-A. GRCh37 (hg19) VCF-style: chrX-99662997-G-A.
Other names: c.599C>T, p.Thr200Met (NM_001105243.2, NM_020766.3); short protein forms T200M.
Identifiers: ClinVar variation 2169234 (VCV002169234.4), dbSNP rs1222053591, ClinGen allele CA414009106.